The following is an entry in ClinVar:

NM_001130438.3(SPTAN1):c.3985G>C (p.Asp1329His)

Gene: SPTAN1 (spectrin alpha, non-erythrocytic 1; plus strand). Cytogenetic location: 9q34.11.
Variant type: single nucleotide variant.
Coding change: c.3985G>C on transcript NM_001130438.3 (MANE Select); coding-DNA position 3985, G replaced by C.
Protein change: p.Asp1329His; replaces aspartic acid 1329 with histidine.
Molecular consequence: missense variant.
Genome position (GRCh38, 1-based): chr9:128,605,416, G>C. VCF-style: chr9-128605416-G-C. GRCh37 (hg19) VCF-style: chr9-131367695-G-C.
Other names: c.3925G>C, p.Asp1309His (NM_001195532.2, NM_001363765.2, NM_001375314.2); c.3985G>C, p.Asp1329His (NM_001363759.2, NM_001375310.1, NM_001375311.2 and 2 more transcripts); c.4021G>C, p.Asp1341His (NM_001375312.2, NM_001375318.1); short protein forms D1309H, D1329H, D1341H.
Identifiers: ClinVar variation 1108098 (VCV001108098.16), dbSNP rs1368132952, ClinGen allele CA375065324.

ClinVar aggregate classification (germline): Conflicting classifications of pathogenicity. Review status: criteria provided, conflicting classifications (1 of 4 stars). 3 submissions from 3 submitters: Uncertain significance (2); Likely benign (1). Last evaluated 2024-02-05.

Conditions:
Developmental and epileptic encephalopathy, 5 (DEE5). Identifiers: Orphanet 3451, MedGen C3150731, MONDO:0013277, OMIM 613477.
Early-infantile DEE. Also called: Ohtahara syndrome; Early infantile epileptic encephalopathy; Early infantile epileptic encephalopathy with suppression bursts. Identifiers: Orphanet 1934, MedGen C0393706, MONDO:0800491.

Allele frequency attached by ClinVar (database versions not stated): gnomAD exomes below 0.00001; gnomAD 0.00002.

Submissions (3):

Labcorp Genetics (formerly Invitae), Labcorp
Classification: Likely benign for Early-infantile DEE. Last evaluated: 2024-02-05. Review status: criteria provided, single submitter. Criteria: Invitae Variant Classification Sherloc (09022015). Collection method: clinical testing. Allele origin: germline.

Genome-Nilou Lab
Classification: Uncertain significance for Developmental and epileptic encephalopathy, 5. Last evaluated: 2021-07-15. Review status: criteria provided, single submitter. Criteria: ACMG Guidelines, 2015. Collection method: clinical testing. Allele origin: germline. Affected: no.

GeneDx
Classification: Uncertain significance. Last evaluated: 2019-02-05. Review status: criteria provided, single submitter. Criteria: GeneDx Variant Classification Process June 2021. Collection method: clinical testing. Allele origin: germline. Affected: yes.
Comment: In silico analysis, which includes protein predictors and evolutionary conservation, supports that this variant does not alter protein structure/function; Has not been previously published as pathogenic or benign to our knowledge